The following is an entry in ClinVar:

ClinVar aggregate classification (germline): Pathogenic (1 of 4 stars; one submission).

Conditions:
Pseudohypoparathyroidism type I A (PHP1A). Also called: Pseudohypoparathyroidism Type IA; ALBRIGHT HEREDITARY OSTEODYSTROPHY WITH MULTIPLE HORMONE RESISTANCE; Pseudohypoparathyroidism Ia (PHP-Ia); PHP IA; Pseudohypoparathyroidism type 1A. Identifiers: Orphanet 79443, MedGen C3494506, MONDO:0007078, OMIM 103580.

Submission:

Department of Endocrinology, Bangladesh Medical University
Classification: Pathogenic for Pseudohypoparathyroidism type I A. Last evaluated: 2026-05-15. Review status: criteria provided, single submitter. Criteria: ACMG Guidelines, 2015. Collection method: provider interpretation. Allele origin: maternal. Inheritance: Autosomal dominant inheritance with maternal imprinting. Affected: yes. Observed: 1 variant allele, 1 heterozygote.
Comment: Classified as Pathogenic based on ACMG/AMP 2015 criteria: PVS1 — null variant (nonsense) in GNAS where loss of function is an established mechanism of disease causing premature stop codon at position 187 and predicted nonsense-mediated mRNA decay; PM2 — absent from population databases (1000 genomes, gnomAD v3.1, gnomAD v2.1, topmed); PP4 — patient phenotype of hypocalcemia, hyperphosphatemia, markedly elevated PTH and Albright Hereditary Osteodystrophy (short stature, round facies, brachydactyly, subcutaneous ossifications) features is highly specific for GNAS-related inactivating PTH/PTHrP signaling disorder (iPPSD). Variant located in exon 7, two codons upstream of the known mutational hotspot (c.565_568delGACT). Classification upgraded from Likely Pathogenic (PVS1+PM2) to Pathogenic by addition of PP4 per ACMG rule (i)(c): 1 Very Strong + 1 Moderate + 1 Supporting.

NM_000516.7(GNAS):c.559C>T (p.Gln187Ter)

Gene: GNAS (GNAS complex locus; plus strand). Cytogenetic location: 20q13.32.
Variant type: single nucleotide variant.
Coding change: c.559C>T on transcript NM_000516.7 (MANE Select); coding-DNA position 559, C replaced by T.
Protein change: p.Gln187Ter; replaces glutamine 187 with a stop codon.
Molecular consequence: nonsense. On other transcripts: 3 prime UTR variant (2).
Genome position (GRCh38, 1-based): chr20:58,909,190, C>T. VCF-style: chr20-58909190-C-T. GRCh37 (hg19) VCF-style: chr20-57484245-C-T.
Other names: c.562C>T, p.Gln188Ter (NM_001077488.5); c.514C>T, p.Gln172Ter (NM_001077489.4); c.*420C>T (NM_001077490.3); c.382C>T, p.Gln128Ter (NM_001309840.2, NM_001309861.2, NM_001438276.1 and 1 more transcripts); c.463C>T, p.Gln155Ter (NM_001410912.1); c.2443C>T, p.Gln815Ter (NM_001410913.1); c.337C>T, p.Gln113Ter (NM_001438273.1, NM_001438274.1, NM_001438275.1); c.*465C>T (NM_016592.5); and 2 more; short protein forms Q113*, Q128*, Q155*, Q172*, Q173*, Q187*, Q188*, Q815*.
Identifiers: ClinVar variation 4850897 (VCV004850897.1).